The following is an entry in ClinVar:

NM_001009925.2(TMEM230):c.189C>T (p.Gly63=)

Gene: TMEM230 (transmembrane protein 230; minus strand). Cytogenetic location: 20p12.3.
Variant type: single nucleotide variant.
Coding change: c.189C>T on transcript NM_001009925.2 (MANE Select); coding-DNA position 189, C replaced by T.
Protein change: p.Gly63=; no amino-acid change (glycine 63 retained).
Molecular consequence: synonymous variant.
Genome position (GRCh38, 1-based): chr20:5,106,221, G>A on the plus strand (C>T on the coding strand, the complement: TMEM230 is on the minus strand). VCF-style: chr20-5106221-G-A. GRCh37 (hg19) VCF-style: chr20-5086867-G-A.
Other names: c.189C>T, p.Gly63= (NM_001009924.2, NM_001330984.2, NM_001330985.2 and 4 more transcripts).
Identifiers: ClinVar variation 2695206 (VCV002695206.3), dbSNP rs2515007854, ClinGen allele CA509437950.

ClinVar aggregate classification (germline): Uncertain significance (1 of 4 stars; one submission).

Submission:

Labcorp Genetics (formerly Invitae), Labcorp
Classification: Uncertain significance. Last evaluated: 2023-11-12. Review status: criteria provided, single submitter. Criteria: Invitae Variant Classification Sherloc (09022015). Collection method: clinical testing. Allele origin: germline.
Comment: This sequence change affects codon 126 of the TMEM230 mRNA. It is a 'silent' change, meaning that it does not change the encoded amino acid sequence of the TMEM230 protein. This variant is not present in population databases (gnomAD no frequency). This variant has not been reported in the literature in individuals affected with TMEM230-related conditions. Algorithms developed to predict the effect of sequence changes on RNA splicing suggest that this variant may create or strengthen a splice site. In summary, the available evidence is currently insufficient to determine the role of this variant in disease. Therefore, it has been classified as a Variant of Uncertain Significance.